The following is an entry in ClinVar:

NM_031307.4(PUS3):c.-47+3A>G

Gene: PUS3 (pseudouridine synthase 3; minus strand). Cytogenetic location: 11q24.2.
Variant type: single nucleotide variant.
Coding change: c.-47+3A>G on transcript NM_031307.4 (MANE Select); 3 bases into the intron after 47 bases upstream of the start codon, A replaced by G.
Molecular consequence: intron variant.
Genome position (GRCh38, 1-based): chr11:125,903,167, T>C on the plus strand (A>G on the coding strand, the complement: PUS3 is on the minus strand). VCF-style: chr11-125903167-T-C. GRCh37 (hg19) VCF-style: chr11-125773062-T-C.
Other names: c.-247+3A>G (NM_001271985.2); c.-47+3A>G (NM_031307.3).
Identifiers: ClinVar variation 2446237 (VCV002446237.26), dbSNP rs534570905, ClinGen allele CA230505700.
Genomic context (GRCh38, chr11:125,903,167, plus strand): 5'-GTCCATTTGTCCCTTCCCCTGTGGAACCCAGAAAGTAACCCACTCCAAAAATCCCACACT[T>C]ACTTTCCGGCAGCCGGCCGCGCCGCGTTTCCGAGAAAGGAAGCTGTCACTGTGCGTCTTC-3'

ClinVar aggregate classification (germline): Conflicting classifications of pathogenicity. Review status: criteria provided, conflicting classifications (1 of 4 stars). 3 submissions from 3 submitters: Uncertain significance (1); Likely benign (2). Last evaluated 2025-09-28.

Conditions:
PUS3-related disorder. Also called: PUS3-related condition.

Allele frequency attached by ClinVar (database versions not stated): 1000 Genomes Project 30x 0.00031; 1000 Genomes Project 0.00040; gnomAD 0.00127; TOPMed 0.00138; gnomAD exomes 0.00152.
gnomAD v4.1: 1,482 of 985,408 alleles (0.15%); highest among the groups gnomAD compares: Middle Eastern, 0.16%; 2 homozygotes.

Submissions (3):

PreventionGenetics, part of Exact Sciences
Classification: Likely benign for PUS3-related condition. Last evaluated: 2025-09-28. Review status: criteria provided, single submitter. Criteria: ACMG Guidelines, 2015. Collection method: clinical testing. Allele origin: germline.
Comment: This variant is classified as likely benign based on ACMG/AMP sequence variant interpretation guidelines (Richards et al. 2015 PMID: 25741868, with internal and published modifications).

CeGaT Center for Human Genetics Tuebingen
Classification: Likely benign. Last evaluated: 2024-11-01. Review status: criteria provided, single submitter. Criteria: CeGaT Center For Human Genetics Tuebingen Variant Classification Criteria Version 2. Collection method: clinical testing. Allele origin: germline. Affected: yes. Observed: 3 variant alleles.
Comment: PUS3: BS2

GeneDx
Classification: Uncertain significance. Last evaluated: 2022-09-22. Review status: criteria provided, single submitter. Criteria: GeneDx Variant Classification Process June 2021. Collection method: clinical testing. Allele origin: germline. Affected: yes.
Comment: In silico analysis supports that this variant does not alter splicing; Nucleotide substitution has no predicted effect on splicing and is not conserved across species; This variant is associated with the following publications: (PMID: 34415064)